The following is an entry in ClinVar:

ClinVar aggregate classification (germline): Uncertain significance (1 of 4 stars; one submission).

gnomAD v4.1: 1 of 1,613,196 alleles (0.000062%); no homozygotes.

Submission:

Labcorp Genetics (formerly Invitae), Labcorp
Classification: Uncertain significance. Last evaluated: 2022-11-07. Review status: criteria provided, single submitter. Criteria: Invitae Variant Classification Sherloc (09022015). Collection method: clinical testing. Allele origin: germline.
Comment: In summary, the available evidence is currently insufficient to determine the role of this variant in disease. Therefore, it has been classified as a Variant of Uncertain Significance. Advanced modeling of protein sequence and biophysical properties (such as structural, functional, and spatial information, amino acid conservation, physicochemical variation, residue mobility, and thermodynamic stability) performed at Invitae indicates that this missense variant is expected to disrupt CYP27B1 protein function. This variant has not been reported in the literature in individuals affected with CYP27B1-related conditions. This variant is not present in population databases (gnomAD no frequency). This sequence change replaces serine, which is neutral and polar, with tryptophan, which is neutral and slightly polar, at codon 205 of the CYP27B1 protein (p.Ser205Trp).

NM_000785.4(CYP27B1):c.614C>G (p.Ser205Trp)

Gene: CYP27B1 (cytochrome P450 family 27 subfamily B member 1; minus strand). Cytogenetic location: 12q14.1.
Variant type: single nucleotide variant.
Coding change: c.614C>G on transcript NM_000785.4 (MANE Select); coding-DNA position 614, C replaced by G.
Protein change: p.Ser205Trp; replaces serine 205 with tryptophan.
Molecular consequence: missense variant.
Genome position (GRCh38, 1-based): chr12:57,765,187, G>C on the plus strand (C>G on the coding strand, the complement: CYP27B1 is on the minus strand). VCF-style: chr12-57765187-G-C. GRCh37 (hg19) VCF-style: chr12-58158970-G-C.
Other names: short protein forms S205W.
Identifiers: ClinVar variation 1713867 (VCV001713867.5), dbSNP rs748602968, ClinGen allele CA385505568.